The following is an entry in ClinVar:

NM_024675.4(PALB2):c.2865T>A (p.Ser955Arg)

Gene: PALB2 (partner and localizer of BRCA2; minus strand). Cytogenetic location: 16p12.2.
Variant type: single nucleotide variant.
Coding change: c.2865T>A on transcript NM_024675.4 (MANE Select); coding-DNA position 2865, T replaced by A.
Protein change: p.Ser955Arg; replaces serine 955 with arginine.
Molecular consequence: missense variant.
Genome position (GRCh38, 1-based): chr16:23,623,100, A>T on the plus strand (T>A on the coding strand, the complement: PALB2 is on the minus strand). VCF-style: chr16-23623100-A-T. GRCh37 (hg19) VCF-style: chr16-23634421-A-T.
Other names: short protein forms S955R.
Identifiers: ClinVar variation 126693 (VCV000126693.3), dbSNP rs515726102, ClinGen allele CA269585.
Genomic context (GRCh38, chr16:23,623,100, plus strand): 5'-CCTCTTTGTCAGGCCAAGCACAGCTTTTATATTTCCAGACTTCAGTAGTACTTGCTTTTC[A>T]CTTTCATCATCAGAGGAACAAAACAATGCCCTAAGCCAAATATAAGGAAAAATGGGGTGA-3'
Protein context (NP_078951.2, residues 945-965): RALFCSSDDE[Ser955Arg]EKQVLLKSGN

ClinVar aggregate classification (germline): Uncertain significance (0 of 4 stars; one submission).

Conditions:
Familial cancer of breast. Also called: BREAST CANCER, FAMILIAL; hereditary breast carcinoma; Hereditary breast cancer. Identifiers: Orphanet 227535, MedGen C0346153, MONDO:0016419, OMIM 114480. Disease mechanism: loss of function.

Submission:

Leiden Open Variation Database
Classification: Uncertain significance for Familial cancer of breast. Last evaluated: 2019-05-13. Review status: no assertion criteria provided. Collection method: curation. Allele origin: germline. Affected: yes.
Comment: Curators: Marc Tischkowitz, Arleen D. Auerbach. Submitter to LOVD: Marc Tischkowitz.

Literature cited by the submitters: PubMed 22052327.